The following is an entry in ClinVar:

ClinVar aggregate classification (germline): Uncertain significance (1 of 4 stars; one submission).

Conditions:
Dihydropyrimidine dehydrogenase deficiency (DPYDD). Also called: DPD DEFICIENCY; DPYD DEFICIENCY; Hereditary Thymine-Uraciluria. Identifiers: Orphanet 1675, MedGen C1959620, MONDO:0010130, OMIM 274270.

gnomAD v4.1: 9 of 1,613,622 alleles (0.00056%); highest among the groups gnomAD compares: East Asian, 0.02%; no homozygotes.

Submission:

Myriad Genetics, Inc.
Classification: Uncertain significance for Dihydropyrimidine dehydrogenase deficiency. Last evaluated: 2025-08-11. Review status: criteria provided, single submitter. Criteria: Myriad Autosomal Dominant, Autosomal Recessive and X-Linked Classification Criteria (2023). Collection method: clinical testing. Allele origin: unknown.
Comment: NM_000110.3(DPYD):c.1300G>C(V434L) is a missense variant classified as a variant of uncertain significance in the context of dihydropyrimidine dehydrogenase deficiency. V434L has not been observed in cases with relevant disease. Relevant functional assessments of this variant are available in the literature (PMID: 29769267). V434L has been observed in referenced population frequency databases. In summary, there is insufficient evidence to classify NM_000110.3(DPYD):c.1300G>C(V434L) as pathogenic or benign. Please note: this variant was assessed in the context of healthy population screening.

Literature cited by the submitters: PubMed 29769267.

NM_000110.4(DPYD):c.1300G>C (p.Val434Leu)

Gene: DPYD (dihydropyrimidine dehydrogenase; minus strand). Cytogenetic location: 1p21.3.
Variant type: single nucleotide variant.
Coding change: c.1300G>C on transcript NM_000110.4 (MANE Select); coding-DNA position 1300, G replaced by C.
Protein change: p.Val434Leu; replaces valine 434 with leucine.
Molecular consequence: missense variant.
Genome position (GRCh38, 1-based): chr1:97,573,799, C>G on the plus strand (G>C on the coding strand, the complement: DPYD is on the minus strand). VCF-style: chr1-97573799-C-G. GRCh37 (hg19) VCF-style: chr1-98039355-C-G.
Other names: short protein forms V434L.
Identifiers: ClinVar variation 5003432 (VCV005003432.1).